The following is an entry in ClinVar:

ClinVar aggregate classification (germline): Uncertain significance (1 of 4 stars; one submission).

Conditions:
Hereditary nonpolyposis colorectal neoplasms. Identifiers: MedGen C0009405, MeSH D003123.

Allele frequency attached by ClinVar (database versions not stated): gnomAD exomes below 0.00001.
gnomAD v4.1: 1 of 1,614,150 alleles (0.000062%); highest among the groups gnomAD compares: Non-Finnish European, 0.000085%; no homozygotes.

Submission:

Labcorp Genetics (formerly Invitae), Labcorp
Classification: Uncertain significance for Hereditary nonpolyposis colorectal neoplasms. Last evaluated: 2017-12-03. Review status: criteria provided, single submitter. Criteria: Invitae Variant Classification Sherloc (09022015). Collection method: clinical testing. Allele origin: germline.
Comment: In summary, the available evidence is currently insufficient to determine the role of this variant in disease. Therefore, it has been classified as a Variant of Uncertain Significance. Algorithms developed to predict the effect of missense changes on protein structure and function do not agree on the potential impact of this missense change (SIFT: "Tolerated"; PolyPhen-2: "Probably Damaging"; Align-GVGD: "Class C0"). This variant has not been reported in the literature in individuals with MSH6-related disease. This variant is not present in population databases (ExAC no frequency). This sequence change replaces leucine with proline at codon 638 of the MSH6 protein (p.Leu638Pro). The leucine residue is weakly conserved and there is a moderate physicochemical difference between leucine and proline.

NM_000179.3(MSH6):c.1913T>C (p.Leu638Pro)

Gene: MSH6 (mutS homolog 6; plus strand). Cytogenetic location: 2p16.3.
Variant type: single nucleotide variant.
Coding change: c.1913T>C on transcript NM_000179.3 (MANE Select); coding-DNA position 1913, T replaced by C.
Protein change: p.Leu638Pro; replaces leucine 638 with proline.
Molecular consequence: missense variant.
Genome position (GRCh38, 1-based): chr2:47,799,896, T>C. VCF-style: chr2-47799896-T-C. GRCh37 (hg19) VCF-style: chr2-48027035-T-C.
Other names: c.1523T>C, p.Leu508Pro (NM_001281492.2); c.1007T>C, p.Leu336Pro (NM_001281493.2, NM_001281494.2); short protein forms L638P, L336P, L508P.
Identifiers: ClinVar variation 525689 (VCV000525689.9), dbSNP rs1553413298, ClinGen allele CA346750206.